The following is an entry in ClinVar:

NM_019032.6(ADAMTSL4):c.130G>A (p.Glu44Lys)

Genes: ADAMTSL4 (ADAMTS like 4; plus strand), ADAMTSL4-AS2 (ADAMTSL4 antisense RNA 2; minus strand). Cytogenetic location: 1q21.2.
Variant type: single nucleotide variant.
Coding change: c.130G>A on transcript NM_019032.6 (MANE Select); coding-DNA position 130, G replaced by A.
Protein change: p.Glu44Lys; replaces glutamic acid 44 with lysine.
Molecular consequence: missense variant.
Genome position (GRCh38, 1-based): chr1:150,552,949, G>A. VCF-style: chr1-150552949-G-A. GRCh37 (hg19) VCF-style: chr1-150525425-G-A.
Other names: c.130G>A, p.Glu44Lys (NM_001288607.2, NM_001288608.2, NM_001378596.1 and 1 more transcripts); short protein forms E44K.
Identifiers: ClinVar variation 292517 (VCV000292517.18), dbSNP rs41317513, ClinGen allele CA1077880.

ClinVar aggregate classification (germline): Benign. Review status: criteria provided, multiple submitters, no conflicts (2 of 4 stars). 7 submissions from 6 submitters: Benign (7). Last evaluated 2026-02-03.

Conditions:
Ectopia lentis et pupillae. Also called: ECTOPIA LENTIS WITH ECTOPIA OF PUPIL. Identifiers: Orphanet 1885, MedGen C1644196, MONDO:0009153, OMIM 225200.
Ectopia lentis 2, isolated, autosomal recessive (ECTOL2). Identifiers: Orphanet 1885, MedGen C3541474, MONDO:0009152, OMIM 225100.

Allele frequency attached by ClinVar (database versions not stated): 1000 Genomes Project 30x 0.01077; 1000 Genomes Project 0.01118; gnomAD 0.02788 and 0.02885; TOPMed 0.02812; ESP Exome Variant Server 0.02849; ExAC 0.02857; gnomAD exomes 0.02946 and 0.03591.

Submissions (7):

Labcorp Genetics (formerly Invitae), Labcorp
Classification: Benign. Last evaluated: 2026-02-03. Review status: criteria provided, single submitter. Criteria: Invitae Variant Classification Sherloc (09022015). Collection method: clinical testing. Allele origin: germline.

Blueprint Genetics
Classification: Benign. Last evaluated: 2024-11-26. Review status: criteria provided, single submitter. Criteria: ACMG Guidelines, 2015. Collection method: clinical testing. Allele origin: germline.

Genome-Nilou Lab
Classification: Benign for Ectopia lentis et pupillae. Last evaluated: 2023-04-11. Review status: criteria provided, single submitter. Criteria: ACMG Guidelines, 2015. Collection method: clinical testing. Allele origin: germline. Affected: no.

Genome-Nilou Lab
Classification: Benign for Ectopia lentis 2, isolated, autosomal recessive. Last evaluated: 2023-04-11. Review status: criteria provided, single submitter. Criteria: ACMG Guidelines, 2015. Collection method: clinical testing. Allele origin: germline. Affected: no.

GeneDx
Classification: Benign. Last evaluated: 2019-10-08. Review status: criteria provided, single submitter. Criteria: GeneDx Variant Classification Process June 2021. Collection method: clinical testing. Allele origin: germline. Affected: yes.
Comment: This variant is associated with the following publications: (PMID: 28394649)

Illumina Laboratory Services, Illumina
Classification: Benign for Ectopia lentis 2, isolated, autosomal recessive. Last evaluated: 2018-01-13. Review status: criteria provided, single submitter. Criteria: ICSL Variant Classification Criteria 13 December 2019. Collection method: clinical testing. Allele origin: germline.
Comment: This variant was observed in the ICSL laboratory as part of a predisposition screen in an ostensibly healthy population. It had not been previously curated by ICSL or reported in the Human Gene Mutation Database (HGMD: prior to June 1st, 2018), and was therefore a candidate for classification through an automated scoring system. Utilizing variant allele frequency, disease prevalence and penetrance estimates, and inheritance mode, an automated score was calculated to assess if this variant is too frequent to cause the disease. Based on the score and internal cut-off values, a variant classified as benign is not then subjected to further curation. The score for this variant resulted in a classification of benign for this disease.

Breakthrough Genomics
Classification: Benign. Review status: criteria provided, single submitter. Criteria: ACMG Guidelines, 2015. Collection method: not provided. Allele origin: germline. Inheritance: Autosomal recessive inheritance. Affected: yes.